The following is an entry in ClinVar:

ClinVar aggregate classification (germline): Pathogenic (1 of 4 stars; one submission).

Conditions:
Hypertrophic cardiomyopathy. Also called: HYPERTROPHIC MYOCARDIOPATHY. Identifiers: Orphanet 217569, MedGen C0007194, MeSH D002312, MONDO:0005045, HP:0001639.

Submission:

Labcorp Genetics (formerly Invitae), Labcorp
Classification: Pathogenic for Hypertrophic cardiomyopathy. Last evaluated: 2022-06-27. Review status: criteria provided, single submitter. Criteria: Invitae Variant Classification Sherloc (09022015). Collection method: clinical testing. Allele origin: germline.
Comment: For these reasons, this variant has been classified as Pathogenic. This variant has not been reported in the literature in individuals affected with MYBPC3-related conditions. This variant is not present in population databases (gnomAD no frequency). This sequence change creates a premature translational stop signal (p.Leu455Profs*16) in the MYBPC3 gene. It is expected to result in an absent or disrupted protein product. Loss-of-function variants in MYBPC3 are known to be pathogenic (PMID: 19574547).

Literature cited by the submitters: PubMed 19574547.

NM_000256.3(MYBPC3):c.1364_1374del (p.Leu455fs)

Gene: MYBPC3 (myosin binding protein C3; minus strand). Cytogenetic location: 11p11.2.
Variant type: Deletion.
Coding change: c.1364_1374del on transcript NM_000256.3 (MANE Select); coding-DNA positions 1364 to 1374, 11 bases deleted (TCATCACGCGC).
Protein change: p.Leu455fs; shifts the reading frame from leucine 455.
Molecular consequence: frameshift variant.
Genome position (GRCh38, 1-based): chr11:47,342,913-47,342,923, GCGCGTGATGA deleted on the plus strand (TCATCACGCGC on the coding strand, the reverse complement: MYBPC3 is on the minus strand); deleting any 11 consecutive bases within chr11:47,342,913-47,342,925 gives the same sequence; the c. name uses the placement nearest the transcript's 3' end. VCF-style (leftmost placement, unchanged base first): chr11-47342912-GGCGCGTGATGA-G. GRCh37 (hg19) VCF-style: chr11-47364463-GGCGCGTGATGA-G.
Other names: short protein forms L455fs.
Identifiers: ClinVar variation 1380559 (VCV001380559.6), dbSNP rs2142861454, ClinGen allele CA2573147069.
Genomic context (GRCh38, chr11:47,342,912, plus strand): 5'-CCGATACTTCACACTCAAACTCCACCCGCTGCCCCACCATCACCAGCTGGTCCTCCAAGG[GGCGCGTGATGA>G]GCACAGGGGGCTCTGTCCAGGCAGGGTGAGCATGAGGGTTGGCTCCCCTGAGGCCATCTC-3'